The following is an entry in ClinVar:

NM_024685.4(BBS10):c.559C>A (p.His187Asn)

Gene: BBS10 (Bardet-Biedl syndrome 10; minus strand). Cytogenetic location: 12q21.2.
Variant type: single nucleotide variant.
Coding change: c.559C>A on transcript NM_024685.4 (MANE Select); coding-DNA position 559, C replaced by A.
Protein change: p.His187Asn; replaces histidine 187 with asparagine.
Molecular consequence: missense variant.
Genome position (GRCh38, 1-based): chr12:76,347,426, G>T on the plus strand (C>A on the coding strand, the complement: BBS10 is on the minus strand). VCF-style: chr12-76347426-G-T. GRCh37 (hg19) VCF-style: chr12-76741206-G-T.
Other names: short protein forms H187N.
Identifiers: ClinVar variation 880901 (VCV000880901.7), dbSNP rs753964273, ClinGen allele CA6694319.

ClinVar aggregate classification (germline): Uncertain significance. Review status: criteria provided, multiple submitters, no conflicts (2 of 4 stars). 4 submissions from 4 submitters: Uncertain significance (4). Last evaluated 2026-06-29.

Conditions:
Inborn genetic diseases. Identifiers: MedGen C0950123, MeSH D030342.
BBS10-related disorder. Also called: BBS10-related condition.
Bardet-Biedl syndrome 10 (BBS10). Identifiers: Orphanet 110, MedGen C1859568, MONDO:0014438, OMIM 615987.

Allele frequency attached by ClinVar (database versions not stated): ExAC 0.00001; gnomAD exomes 0.00002; TOPMed 0.00002.

Submissions (4):

PreventionGenetics, part of Exact Sciences
Classification: Uncertain significance for BBS10-related condition. Last evaluated: 2026-06-29. Review status: criteria provided, single submitter. Criteria: ACMG Guidelines, 2015. Collection method: clinical testing. Allele origin: germline.
Comment: The BBS10 c.559C>A variant is predicted to result in the amino acid substitution p.His187Asn. To our knowledge, this variant has not been reported in the literature. This variant is reported in 0.0035% of alleles in individuals of European (Non-Finnish) descent in gnomAD. At this time, the clinical significance of this variant is uncertain due to the absence of conclusive functional and genetic evidence.

Ambry Genetics
Classification: Uncertain significance for Inborn genetic diseases. Last evaluated: 2024-05-16. Review status: criteria provided, single submitter. Criteria: Ambry Variant Classification Scheme 2023. Collection method: clinical testing. Allele origin: germline.

Fulgent Genetics
Classification: Uncertain significance for Bardet-Biedl syndrome 10. Last evaluated: 2021-10-23. Review status: criteria provided, single submitter. Criteria: ACMG Guidelines, 2015. Collection method: clinical testing. Allele origin: unknown.

Illumina Laboratory Services, Illumina
Classification: Uncertain significance for Bardet-Biedl syndrome 10. Last evaluated: 2018-01-13. Review status: criteria provided, single submitter. Criteria: ICSL Variant Classification Criteria 13 December 2019. Collection method: clinical testing. Allele origin: germline.